The following is an entry in ClinVar:

ClinVar aggregate classification (germline): Likely benign. Review status: criteria provided, multiple submitters, no conflicts (2 of 4 stars). 3 submissions from 3 submitters: Likely benign (3). Last evaluated 2026-08-31.

Conditions:
NPHP3-related disorder. Also called: NPHP3-related disorders; NPHP3-related condition. Identifiers: MedGen CN379163.
Nephronophthisis. Also called: Juvenile Nephronophthisis. Identifiers: Orphanet 655, MedGen C0687120, MONDO:0019005, HP:0000090.
Nephronophthisis 3 (NPHP3). Also called: Adolescent nephronophthisis. Identifiers: Orphanet 655, MedGen C1858392, MONDO:0011456, OMIM 604387.
Renal-hepatic-pancreatic dysplasia 1 (RHPD1). Identifiers: MedGen C3715199, MONDO:0008833, OMIM 208540.
NPHP3-related Meckel-like syndrome. Also called: Meckel syndrome type 7; GOLDSTON SYNDROME. Identifiers: Orphanet 3032, MedGen C2673885, MONDO:0009966, OMIM 267010.

Allele frequency attached by ClinVar (database versions not stated): gnomAD 0.00001 and 0.00004; TOPMed 0.00001; 1000 Genomes Project 30x 0.00078; 1000 Genomes Project 0.00080.
gnomAD v4.1: 13 of 1,603,376 alleles (0.00081%); highest among the groups gnomAD compares: East Asian, 0.022%; no homozygotes.

Submissions (3):

PreventionGenetics, part of Exact Sciences
Classification: Likely benign for NPHP3-related condition. Last evaluated: 2026-08-31. Review status: criteria provided, single submitter. Criteria: ACMG Guidelines, 2015. Collection method: clinical testing. Allele origin: germline.
Comment: This variant is classified as likely benign based on ACMG/AMP sequence variant interpretation guidelines (Richards et al. 2015 PMID: 25741868, with internal and published modifications).

Labcorp Genetics (formerly Invitae), Labcorp
Classification: Likely benign for Nephronophthisis. Last evaluated: 2026-01-05. Review status: criteria provided, single submitter. Criteria: Invitae Variant Classification Sherloc (09022015). Collection method: clinical testing. Allele origin: germline.

Fulgent Genetics
Classification: Likely benign for Renal-hepatic-pancreatic dysplasia 1; NPHP3-related Meckel-like syndrome; Nephronophthisis 3. Last evaluated: 2021-10-18. Review status: criteria provided, single submitter. Criteria: ACMG Guidelines, 2015. Collection method: clinical testing. Allele origin: unknown.

NM_153240.5(NPHP3):c.237G>A (p.Ser79=)

Genes: NPHP3 (nephrocystin 3; minus strand), NPHP3-ACAD11 (NPHP3-ACAD11 readthrough (NMD candidate); minus strand), NPHP3-AS1 (NPHP3 antisense RNA 1; plus strand), LOC129937586 (ATAC-STARR-seq lymphoblastoid silent region 14743; plus strand). Cytogenetic location: 3q22.1.
Variant type: single nucleotide variant.
Coding change: c.237G>A on transcript NM_153240.5 (MANE Select); coding-DNA position 237, G replaced by A.
Protein change: p.Ser79=; no amino-acid change (serine 79 retained).
Molecular consequence: synonymous variant. On other transcripts: non-coding transcript variant (3).
Genome position (GRCh38, 1-based): chr3:132,722,119, C>T on the plus strand (G>A on the coding strand, the complement: NPHP3 is on the minus strand). VCF-style: chr3-132722119-C-T. GRCh37 (hg19) VCF-style: chr3-132440963-C-T.
Other names: c.237G>A (NM_153240.4).
Identifiers: ClinVar variation 1624803 (VCV001624803.10), dbSNP rs555921512, ClinGen allele CA2622676.